The following is an entry in ClinVar:

NM_004813.4(PEX16):c.186C>T (p.Asp62=)

Gene: PEX16 (peroxisomal biogenesis factor 16; minus strand). Cytogenetic location: 11p11.2.
Variant type: single nucleotide variant.
Coding change: c.186C>T on transcript NM_004813.4 (MANE Select); coding-DNA position 186, C replaced by T.
Protein change: p.Asp62=; no amino-acid change (aspartic acid 62 retained).
Molecular consequence: synonymous variant.
Genome position (GRCh38, 1-based): chr11:45,916,266, G>A on the plus strand (C>T on the coding strand, the complement: PEX16 is on the minus strand). VCF-style: chr11-45916266-G-A. GRCh37 (hg19) VCF-style: chr11-45937817-G-A.
Other names: c.186C>T, p.Asp62= (NM_057174.3); c.186C>T (NM_004813.2).
Identifiers: ClinVar variation 1594428 (VCV001594428.11), dbSNP rs757594159, ClinGen allele CA5960070.

ClinVar aggregate classification (germline): Likely benign. Review status: criteria provided, multiple submitters, no conflicts (2 of 4 stars). 3 submissions from 3 submitters: Likely benign (2). 1 of the submissions does not count toward it. Last evaluated 2026-01-20.

Conditions:
Peroxisome biogenesis disorder. Identifiers: Orphanet 79189, MedGen C1832200, MONDO:0019234. Disease mechanism: loss of function.
PEX16-related disorder. Also called: PEX16-related condition.

Allele frequency attached by ClinVar (database versions not stated): TOPMed 0.00002; ExAC 0.00003; gnomAD 0.00003 and 0.00004; gnomAD exomes 0.00003.
gnomAD v4.1: 21 of 1,613,850 alleles (0.0013%); highest among the groups gnomAD compares: African/African-American, 0.0053%; no homozygotes.

Submissions (3):

Labcorp Genetics (formerly Invitae), Labcorp
Classification: Likely benign for Peroxisome biogenesis disorder. Last evaluated: 2026-01-20. Review status: criteria provided, single submitter. Criteria: Invitae Variant Classification Sherloc (09022015). Collection method: clinical testing. Allele origin: germline.

Blueprint Genetics
Classification: Likely benign. Last evaluated: 2022-06-22. Review status: criteria provided, single submitter. Criteria: ACMG Guidelines, 2015. Collection method: clinical testing. Allele origin: germline.

PreventionGenetics, part of Exact Sciences
Classification: Likely benign for PEX16-related condition. Last evaluated: 2023-08-15. Review status: no assertion criteria provided. Collection method: clinical testing. Allele origin: germline. Not counted in ClinVar's aggregate classification.
Comment: This variant is classified as likely benign based on ACMG/AMP sequence variant interpretation guidelines (Richards et al. 2015 PMID: 25741868, with internal and published modifications).